The following is an entry in ClinVar:

NM_019892.6(INPP5E):c.40G>T (p.Ala14Ser)

Gene: INPP5E (inositol polyphosphate-5-phosphatase E; minus strand). Cytogenetic location: 9q34.3.
Variant type: single nucleotide variant.
Coding change: c.40G>T on transcript NM_019892.6 (MANE Select); coding-DNA position 40, G replaced by T.
Protein change: p.Ala14Ser; replaces alanine 14 with serine.
Molecular consequence: missense variant.
Genome position (GRCh38, 1-based): chr9:136,439,380, C>A on the plus strand (G>T on the coding strand, the complement: INPP5E is on the minus strand). VCF-style: chr9-136439380-C-A. GRCh37 (hg19) VCF-style: chr9-139333832-C-A.
Other names: c.40G>T, p.Ala14Ser (NM_001318502.2); short protein forms A14S.
Identifiers: ClinVar variation 5001380 (VCV005001380.1).

ClinVar aggregate classification (germline): Uncertain significance (1 of 4 stars; one submission).

Conditions:
INPP5E-related disorder. Also called: INPP5E-related condition.

Submission:

PreventionGenetics, part of Exact Sciences
Classification: Uncertain significance for INPP5E-related condition. Last evaluated: 2025-02-06. Review status: criteria provided, single submitter. Criteria: ACMG Guidelines, 2015. Collection method: clinical testing. Allele origin: germline.
Comment: The INPP5E c.40G>T variant is predicted to result in the amino acid substitution p.Ala14Ser. To our knowledge, this variant has not been reported in the literature. This variant is reported in 0.020% of alleles in individuals of European (Finnish) descent in gnomAD. At this time, the clinical significance of this variant is uncertain due to the absence of conclusive functional and genetic evidence.